The following is an entry in ClinVar:

NM_000038.6(APC):c.767dup (p.Asp256fs)

Gene: APC (APC regulator of Wnt signaling pathway; plus strand). Cytogenetic location: 5q22.2.
Variant type: Duplication.
Coding change: c.767dup on transcript NM_000038.6 (MANE Select); coding-DNA position 767, one base duplicated (A; older notation c.767dupA).
Protein change: p.Asp256fs; shifts the reading frame from aspartic acid 256.
Molecular consequence: frameshift variant. On other transcripts: 5 prime UTR variant (1).
Genome position (GRCh38, 1-based): chr5:112,801,316, A duplicated. VCF-style (leftmost placement, unchanged base first): chr5-112801315-G-GA. GRCh37 (hg19) VCF-style: chr5-112137012-G-GA.
Other names: c.797dup, p.Asp266fs (NM_001354897.2, NM_001354902.2); c.692dup, p.Asp231fs (NM_001354898.2, NM_001354904.2); c.683dup, p.Asp228fs (NM_001354899.2); c.590dup, p.Asp197fs (NM_001354900.2, NM_001354901.2, NM_001354905.2); c.767dup, p.Asp256fs (NM_001354903.2, NM_001127510.3, NM_001354895.2 and 1 more transcripts); c.-269dup (NM_001354906.2, NM_001407470.1, NM_001407471.1 and 1 more transcripts); c.797dup, p.Asp266Glufs (NM_001407446.1); c.767dup, p.Asp256Glufs (NM_001407447.1, NM_001407448.1, NM_001407449.1 and 8 more transcripts); and 4 more; short protein forms D197fs, D231fs, D256fs, D228fs, D238fs, D266fs.
Identifiers: ClinVar variation 1760106 (VCV001760106.2), dbSNP rs2532752431, ClinGen allele CA2580072509.

ClinVar aggregate classification (germline): Pathogenic (1 of 4 stars; one submission).

Conditions:
Hereditary cancer-predisposing syndrome. Also called: Neoplastic Syndromes, Hereditary; Tumor predisposition; Hereditary Cancer Syndrome; Hereditary neoplastic syndrome. Identifiers: Orphanet 140162, MedGen C0027672, MeSH D009386, MONDO:0015356.

Submission:

Ambry Genetics
Classification: Pathogenic for Hereditary cancer-predisposing syndrome. Last evaluated: 2020-02-01. Review status: criteria provided, single submitter. Criteria: Ambry Variant Classification Scheme 2023. Collection method: clinical testing. Allele origin: germline.
Comment: The c.767dupA pathogenic mutation, located in coding exon 7 of the APC gene, results from a duplication of A at nucleotide position 767, causing a translational frameshift with a predicted alternate stop codon (p.D256Efs*3). This alteration is expected to result in loss of function by premature protein truncation or nonsense-mediated mRNA decay. As such, this alteration is interpreted as a disease-causing mutation.